The following is an entry in ClinVar:

ClinVar aggregate classification (germline): Uncertain significance (1 of 4 stars; one submission).

Conditions:
Peroxisome biogenesis disorder. Identifiers: Orphanet 79189, MedGen C1832200, MONDO:0019234. Disease mechanism: loss of function.

Allele frequency attached by ClinVar (database versions not stated): gnomAD exomes below 0.00001.
gnomAD v4.1: 3 of 1,614,138 alleles (0.00019%); highest among the groups gnomAD compares: East Asian, 0.0022%; no homozygotes.

Submission:

Labcorp Genetics (formerly Invitae), Labcorp
Classification: Uncertain significance for Peroxisome biogenesis disorder. Last evaluated: 2022-06-20. Review status: criteria provided, single submitter. Criteria: Invitae Variant Classification Sherloc (09022015). Collection method: clinical testing. Allele origin: germline.
Comment: This sequence change replaces threonine, which is neutral and polar, with isoleucine, which is neutral and non-polar, at codon 923 of the PEX6 protein (p.Thr923Ile). This variant is present in population databases (no rsID available, gnomAD 0.006%). This variant has not been reported in the literature in individuals affected with PEX6-related conditions. Algorithms developed to predict the effect of missense changes on protein structure and function (SIFT, PolyPhen-2, Align-GVGD) all suggest that this variant is likely to be tolerated. In summary, the available evidence is currently insufficient to determine the role of this variant in disease. Therefore, it has been classified as a Variant of Uncertain Significance.

NM_000287.4(PEX6):c.2768C>T (p.Thr923Ile)

Gene: PEX6 (peroxisomal biogenesis factor 6; minus strand). Cytogenetic location: 6p21.1.
Variant type: single nucleotide variant.
Coding change: c.2768C>T on transcript NM_000287.4 (MANE Select); coding-DNA position 2768, C replaced by T.
Protein change: p.Thr923Ile; replaces threonine 923 with isoleucine.
Molecular consequence: missense variant. On other transcripts: non-coding transcript variant (1).
Genome position (GRCh38, 1-based): chr6:42,964,828, G>A on the plus strand (C>T on the coding strand, the complement: PEX6 is on the minus strand). VCF-style: chr6-42964828-G-A. GRCh37 (hg19) VCF-style: chr6-42932566-G-A.
Other names: c.2504C>T, p.Thr835Ile (NM_001316313.2); short protein forms T835I, T923I.
Identifiers: ClinVar variation 1944769 (VCV001944769.5), dbSNP rs1204746891, ClinGen allele CA364150195.